The following is an entry in ClinVar:

ClinVar aggregate classification (germline): Likely benign (1 of 4 stars; one submission).

gnomAD v4.1: 89 of 1,613,036 alleles (0.0055%); highest among the groups gnomAD compares: African/African-American, 0.008%; no homozygotes.

Submission:

CeGaT Center for Human Genetics Tuebingen
Classification: Likely benign. Last evaluated: 2025-12-01. Review status: criteria provided, single submitter. Criteria: CeGaT Center For Human Genetics Tuebingen Variant Classification Criteria Version 2. Collection method: clinical testing. Allele origin: germline. Affected: yes. Observed: 1 variant allele.
Comment: VRK2: BP4, BP7

NM_006296.7(VRK2):c.1228T>C (p.Leu410=)

Genes: FANCL (FA complementation group L; minus strand), VRK2 (VRK serine/threonine kinase 2; plus strand). Cytogenetic location: 2p16.1.
Variant type: single nucleotide variant.
Coding change: c.1228T>C on transcript NM_006296.7 (MANE Select); coding-DNA position 1228, T replaced by C.
Protein change: p.Leu410=; no amino-acid change (leucine 410 retained).
Molecular consequence: synonymous variant. On other transcripts: 3 prime UTR variant (10), non-coding transcript variant (2).
Genome position (GRCh38, 1-based): chr2:58,159,394, T>C. VCF-style: chr2-58159394-T-C. GRCh37 (hg19) VCF-style: chr2-58386529-T-C.
Other names: c.*654A>G (NM_001438890.1, NM_001438891.1, NM_001438889.1); c.*371A>G (NM_001438892.1, NM_018062.4, NM_001114636.2 and 2 more transcripts); c.1228T>C, p.Leu410= (NM_001130480.2, NM_001130481.2, NM_001288837.2); c.1159T>C, p.Leu387= (NM_001130482.2); c.*86T>C (NM_001130483.2, NM_001288838.2); c.874T>C, p.Leu292= (NM_001288836.1, NM_001288839.2).
Identifiers: ClinVar variation 4681651 (VCV004681651.5).
Genomic context (GRCh38, chr2:58,159,394, plus strand): 5'-GTATTTTTTCCATAGGAAAGCACAAGGAGAAGACAGAAATATCAAGAGTCTCAAGAACCT[T>C]TGAATGAAGTAAACAGTTTCCCACAAAAAATCAGCTATACACAATTCCCAAACTCATTTT-3'
Protein context (NP_006287.2, residues 400-420): RQKYQESQEP[Leu410=]NEVNSFPQKI